The following is an entry in ClinVar:

ClinVar aggregate classification (germline): Uncertain significance (1 of 4 stars; one submission).

Conditions:
Ethylmalonic encephalopathy (EE). Also called: EPEMA syndrome; Encephalopathy, petechiae, and ethylmalonic aciduria; Syndrome of encephalopathy, petechiae, and ethylmalonic aciduria. Identifiers: Orphanet 51188, MedGen C1865349, MONDO:0011229, OMIM 602473. Disease mechanism: loss of function.

Allele frequency attached by ClinVar (database versions not stated): gnomAD exomes below 0.00001.
gnomAD v4.1: 5 of 1,608,954 alleles (0.00031%); highest among the groups gnomAD compares: Middle Eastern, 0.016%; no homozygotes.

Submission:

Labcorp Genetics (formerly Invitae), Labcorp
Classification: Uncertain significance for Ethylmalonic encephalopathy. Last evaluated: 2022-06-04. Review status: criteria provided, single submitter. Criteria: Invitae Variant Classification Sherloc (09022015). Collection method: clinical testing. Allele origin: germline.
Comment: This sequence change replaces isoleucine, which is neutral and non-polar, with valine, which is neutral and non-polar, at codon 182 of the ETHE1 protein (p.Ile182Val). This variant is present in population databases (no rsID available, gnomAD 0.01%). This variant has not been reported in the literature in individuals affected with ETHE1-related conditions. Advanced modeling of protein sequence and biophysical properties (such as structural, functional, and spatial information, amino acid conservation, physicochemical variation, residue mobility, and thermodynamic stability) performed at Invitae indicates that this missense variant is not expected to disrupt ETHE1 protein function. Algorithms developed to predict the effect of sequence changes on RNA splicing suggest that this variant may create or strengthen a splice site. In summary, the available evidence is currently insufficient to determine the role of this variant in disease. Therefore, it has been classified as a Variant of Uncertain Significance.

NM_014297.5(ETHE1):c.544A>G (p.Ile182Val)

Gene: ETHE1 (ETHE1 persulfide dioxygenase; minus strand). Cytogenetic location: 19q13.31.
Variant type: single nucleotide variant.
Coding change: c.544A>G on transcript NM_014297.5 (MANE Select); coding-DNA position 544, A replaced by G.
Protein change: p.Ile182Val; replaces isoleucine 182 with valine.
Molecular consequence: missense variant.
Genome position (GRCh38, 1-based): chr19:43,508,826, T>C on the plus strand (A>G on the coding strand, the complement: ETHE1 is on the minus strand). VCF-style: chr19-43508826-T-C. GRCh37 (hg19) VCF-style: chr19-44012978-T-C.
Other names: c.511A>G, p.Ile171Val (NM_001320867.2); c.175A>G, p.Ile59Val (NM_001320868.2); c.250A>G, p.Ile84Val (NM_001320869.2); short protein forms I84V, I182V, I59V, I171V.
Identifiers: ClinVar variation 1947604 (VCV001947604.2), dbSNP rs1021259650, ClinGen allele CA406175201.